The following is an entry in ClinVar:

NM_025114.4(CEP290):c.2406del (p.Asp803fs)

Gene: CEP290 (centrosomal protein 290; minus strand). Cytogenetic location: 12q21.32.
Variant type: Deletion.
Coding change: c.2406del on transcript NM_025114.4 (MANE Select); coding-DNA position 2406, one base deleted (A; older notation c.2406delA).
Protein change: p.Asp803fs; shifts the reading frame from aspartic acid 803.
Molecular consequence: frameshift variant.
Genome position (GRCh38, 1-based): chr12:88,109,143, T deleted on the plus strand (A on the coding strand, the reverse complement: CEP290 is on the minus strand); the first of 2 consecutive T bases (chr12:88,109,143-88,109,144); deleting either gives the same sequence. VCF-style (leftmost placement, unchanged base first): chr12-88109142-CT-C. GRCh37 (hg19) VCF-style: chr12-88502919-CT-C.
Other names: short protein forms D803fs.
Identifiers: ClinVar variation 2948072 (VCV002948072.3), dbSNP rs2500683218, ClinGen allele CA2620112267.
Genomic context (GRCh38, chr12:88,109,142, plus strand): 5'-ACAACAAACTTTGTTGATGACGAATTACAGCAAATTTTCTGTTGTAATCTTCAAGAGAAT[CT>C]TCTAAATTCTTTAACTTTTTTTCTTTATTTTCTAGTTCCTGAAAAGTGGTTTAGAAATAA-3'

ClinVar aggregate classification (germline): Pathogenic (1 of 4 stars; one submission).

Conditions:
Joubert syndrome. Also called: CEREBELLOPARENCHYMAL DISORDER IV; JOUBERT-BOLTSHAUSER SYNDROME; Familial aplasia of the vermis. Identifiers: Orphanet 475, MedGen C5979921, MONDO:0018772.
Nephronophthisis. Also called: Juvenile Nephronophthisis. Identifiers: Orphanet 655, MedGen C0687120, MONDO:0019005, HP:0000090.
Meckel-Gruber syndrome. Also called: DYSENCEPHALIA SPLANCHNOCYSTICA; GRUBER SYNDROME; Dysencephalia splachnocystica. Identifiers: Orphanet 564, MedGen C0265215, MONDO:0018921.

Submission:

Labcorp Genetics (formerly Invitae), Labcorp
Classification: Pathogenic for Joubert syndrome; Meckel-Gruber syndrome; Nephronophthisis. Last evaluated: 2023-05-22. Review status: criteria provided, single submitter. Criteria: Invitae Variant Classification Sherloc (09022015). Collection method: clinical testing. Allele origin: germline.
Comment: This sequence change creates a premature translational stop signal (p.Asp803Ilefs*12) in the CEP290 gene. It is expected to result in an absent or disrupted protein product. Loss-of-function variants in CEP290 are known to be pathogenic (PMID: 16909394, 17345604, 20690115). This variant is not present in population databases (gnomAD no frequency). This variant has not been reported in the literature in individuals affected with CEP290-related conditions. For these reasons, this variant has been classified as Pathogenic.

Literature cited by the submitters: PubMed 16909394; PubMed 17345604; PubMed 20690115.